The following is an entry in ClinVar:

NM_006231.4(POLE):c.3583-5del

Gene: POLE (DNA polymerase epsilon, catalytic subunit; minus strand). Cytogenetic location: 12q24.33.
Variant type: Deletion.
Coding change: c.3583-5del on transcript NM_006231.4 (MANE Select); 5 bases into the intron before coding-DNA position 3583, one base deleted (T; older notation c.3583-5delT).
Molecular consequence: intron variant.
Genome position (GRCh38, 1-based): chr12:132,649,894, A deleted on the plus strand (T on the coding strand, the reverse complement: POLE is on the minus strand); the first of 3 consecutive A bases (chr12:132,649,894-132,649,896); deleting any one gives the same sequence. VCF-style (leftmost placement, unchanged base first): chr12-132649893-GA-G. GRCh37 (hg19) VCF-style: chr12-133226479-GA-G.
Identifiers: ClinVar variation 4844265 (VCV004844265.1).

ClinVar aggregate classification (germline): Uncertain significance (1 of 4 stars; one submission).

Conditions:
Hereditary cancer-predisposing syndrome. Also called: Neoplastic Syndromes, Hereditary; Tumor predisposition; Hereditary Cancer Syndrome; Hereditary neoplastic syndrome. Identifiers: Orphanet 140162, MedGen C0027672, MeSH D009386, MONDO:0015356.

Submission:

Ambry Genetics
Classification: Uncertain significance for Hereditary cancer-predisposing syndrome. Last evaluated: 2026-02-03. Review status: criteria provided, single submitter. Criteria: Ambry Variant Classification Scheme 2023. Collection method: clinical testing. Allele origin: germline.
Comment: The c.3583-5delT intronic variant, located in intron 29 of the POLE gene, results from a deletion of one nucleotide within intron 29 of the POLE gene. This nucleotide position is not well conserved in available vertebrate species. In silico splice site analysis predicts that this alteration will not have any significant effect on splicing. Based on the available evidence, the clinical significance of this variant remains unclear.